The following is an entry in ClinVar:

ClinVar aggregate classification (germline): Uncertain significance (1 of 4 stars; one submission).

Allele frequency attached by ClinVar (database versions not stated): ExAC 0.00001; gnomAD 0.00001; gnomAD exomes 0.00001; TOPMed 0.00002.
gnomAD v4.1: 15 of 1,611,150 alleles (0.00093%); highest among the groups gnomAD compares: African/African-American, 0.004%; no homozygotes.

Submission:

Labcorp Genetics (formerly Invitae), Labcorp
Classification: Uncertain significance. Last evaluated: 2022-01-04. Review status: criteria provided, single submitter. Criteria: Invitae Variant Classification Sherloc (09022015). Collection method: clinical testing. Allele origin: germline.
Comment: This sequence change replaces arginine, which is basic and polar, with histidine, which is basic and polar, at codon 599 of the RIMS1 protein (p.Arg599His). In summary, the available evidence is currently insufficient to determine the role of this variant in disease. Therefore, it has been classified as a Variant of Uncertain Significance. Algorithms developed to predict the effect of missense changes on protein structure and function are either unavailable or do not agree on the potential impact of this missense change (SIFT: "Deleterious"; PolyPhen-2: "Benign"; Align-GVGD: "Class C25"). This variant has not been reported in the literature in individuals affected with RIMS1-related conditions. The frequency data for this variant in the population databases is considered unreliable, as metrics indicate poor data quality at this position in the gnomAD database.

NM_014989.7(RIMS1):c.1796G>A (p.Arg599His)

Gene: RIMS1 (regulating synaptic membrane exocytosis 1; plus strand). Cytogenetic location: 6q13.
Variant type: single nucleotide variant.
Coding change: c.1796G>A on transcript NM_014989.7 (MANE Select); coding-DNA position 1796, G replaced by A.
Protein change: p.Arg599His; replaces arginine 599 with histidine.
Molecular consequence: missense variant. On other transcripts: 5 prime UTR variant (9).
Genome position (GRCh38, 1-based): chr6:72,235,667, G>A. VCF-style: chr6-72235667-G-A. GRCh37 (hg19) VCF-style: chr6-72945370-G-A.
Other names: c.218G>A, p.Arg73His (NM_001168407.2, NM_001168408.2, NM_001350414.2 and 37 more transcripts); c.-26G>A (NM_001168409.2, NM_001350461.2, NM_001350463.2 and 6 more transcripts); c.173G>A, p.Arg58His (NM_001168410.2, NM_001350470.2, NM_001350472.2 and 2 more transcripts); c.149G>A, p.Arg50His (NM_001350421.2, NM_001350424.2, NM_001350428.2 and 6 more transcripts); short protein forms R58H, R599H, R73H, R50H.
Identifiers: ClinVar variation 1940816 (VCV001940816.5), dbSNP rs772096503, ClinGen allele CA3885820.